The following is an entry in ClinVar:

NM_000038.6(APC):c.1096G>C (p.Asp366His)

Gene: APC (APC regulator of Wnt signaling pathway; plus strand). Cytogenetic location: 5q22.2.
Variant type: single nucleotide variant.
Coding change: c.1096G>C on transcript NM_000038.6 (MANE Select); coding-DNA position 1096, G replaced by C.
Protein change: p.Asp366His; replaces aspartic acid 366 with histidine.
Molecular consequence: missense variant. On other transcripts: intron variant (4).
Genome position (GRCh38, 1-based): chr5:112,819,128, G>C. VCF-style: chr5-112819128-G-C. GRCh37 (hg19) VCF-style: chr5-112154825-G-C.
Other names: c.1096G>C, p.Asp366His (NM_001127510.3, NM_001354895.2, NM_001354896.2); c.1042G>C, p.Asp348His (NM_001127511.3); c.1126G>C, p.Asp376His (NM_001354897.2); c.1021G>C, p.Asp341His (NM_001354898.2); c.1012G>C, p.Asp338His (NM_001354899.2); c.919G>C, p.Asp307His (NM_001354900.2, NM_001354901.2); c.247G>C, p.Asp83His (NM_001354906.2); c.964-141G>C (NM_001354902.2); and 3 more; short protein forms D348H, D366H, D376H, D307H, D338H, D341H, D83H.
Identifiers: ClinVar variation 482364 (VCV000482364.18), dbSNP rs199562537, ClinGen allele CA16023713.

ClinVar aggregate classification (germline): Uncertain significance. Review status: criteria provided, multiple submitters, no conflicts (2 of 4 stars). 3 submissions from 3 submitters: Uncertain significance (3). Last evaluated 2025-10-28.

Conditions:
Hereditary cancer-predisposing syndrome. Also called: Neoplastic Syndromes, Hereditary; Tumor predisposition; Hereditary Cancer Syndrome; Hereditary neoplastic syndrome. Identifiers: Orphanet 140162, MedGen C0027672, MeSH D009386, MONDO:0015356.
Familial adenomatous polyposis 1 (FAP1). Also called: FAMILIAL ADENOMATOUS POLYPOSIS 1, ATTENUATED; POLYPOSIS, ADENOMATOUS INTESTINAL. Identifiers: MedGen C2713442, MONDO:0021056, OMIM 175100. Disease mechanism: loss of function.

gnomAD v4.1: 1 of 1,613,950 alleles (0.000062%); highest among the groups gnomAD compares: Admixed American, 0.0017%; no homozygotes.

Submissions (3):

Labcorp Genetics (formerly Invitae), Labcorp
Classification: Uncertain significance for Familial adenomatous polyposis 1. Last evaluated: 2025-10-28. Review status: criteria provided, single submitter. Criteria: Invitae Variant Classification Sherloc (09022015). Collection method: clinical testing. Allele origin: germline.
Comment: This sequence change replaces aspartic acid, which is acidic and polar, with histidine, which is basic and polar, at codon 366 of the APC protein (p.Asp366His). This variant is present in population databases (no rsID available, gnomAD no frequency). This missense change has been observed in individual(s) with hepatoblastoma (PMID: 16317745). ClinVar contains an entry for this variant (Variation ID: 482364). Invitae Evidence Modeling of protein sequence and biophysical properties (such as structural, functional, and spatial information, amino acid conservation, physicochemical variation, residue mobility, and thermodynamic stability) indicates that this missense variant is not expected to disrupt APC protein function with a negative predictive value of 95%. In summary, the available evidence is currently insufficient to determine the role of this variant in disease. Therefore, it has been classified as a Variant of Uncertain Significance.

Ambry Genetics
Classification: Uncertain significance for Hereditary cancer-predisposing syndrome. Last evaluated: 2025-10-14. Review status: criteria provided, single submitter. Criteria: Ambry Variant Classification Scheme 2023. Collection method: clinical testing. Allele origin: germline.
Comment: The p.D366H variant (also known as c.1096G>C), located in coding exon 9 of the APC gene, results from a G to C substitution at nucleotide position 1096. The aspartic acid at codon 366 is replaced by histidine, an amino acid with similar properties. This alteration was identified in an individual diagnosed with a sporadic hepatoblastoma (Aretz S et al. Pediatr Blood Cancer, 2006 Nov;47:811-8). This amino acid position is highly conserved in available vertebrate species. In addition, in silico predictors for this gene do not accurately predict pathogenicity. Since supporting evidence is limited at this time, the clinical significance of this alteration remains unclear.

Color Diagnostics, LLC DBA Color Health
Classification: Uncertain significance for Hereditary cancer-predisposing syndrome. Last evaluated: 2020-10-13. Review status: criteria provided, single submitter. Criteria: ACMG Guidelines, 2015. Collection method: clinical testing. Allele origin: germline.
Comment: This missense variant replaces aspartic acid with histidine at codon 366 of the APC protein. Computational prediction tool is inconclusive regarding the impact of this variant on protein structure and function (internally defined REVEL score threshold 0.5 < inconclusive < 0.7, PMID: 27666373). To our knowledge, functional studies have not been reported for this variant. This variant has been observed in an individual affected with childhood onset hepatoblastoma (PMID: 16317745). This variant has been identified in 1/31392 chromosomes in the general population by the Genome Aggregation Database (gnomAD). The available evidence is insufficient to determine the role of this variant in disease conclusively. Therefore, this variant is classified as a Variant of Uncertain Significance.

Literature cited by the submitters: PubMed 16317745 (cited by Labcorp Genetics (formerly Invitae), Labcorp and Ambry Genetics).